The following is an entry in ClinVar:

ClinVar aggregate classification (germline): Likely benign (1 of 4 stars; one submission).

Submission:

CeGaT Center for Human Genetics Tuebingen
Classification: Likely benign. Last evaluated: 2026-05-01. Review status: criteria provided, single submitter. Criteria: CeGaT Center For Human Genetics Tuebingen Variant Classification Criteria Version 2. Collection method: clinical testing. Allele origin: germline. Affected: yes. Observed: 3 variant alleles.
Comment: CD163L1: PM2:Supporting, BP4, BP7

NM_174941.6(CD163L1):c.3354C>G (p.Arg1118=)

Gene: CD163L1 (CD163 molecule like 1; minus strand). Cytogenetic location: 12p13.31.
Variant type: single nucleotide variant.
Coding change: c.3354C>G on transcript NM_174941.6 (MANE Select); coding-DNA position 3354, C replaced by G.
Protein change: p.Arg1118=; no amino-acid change (arginine 1118 retained).
Molecular consequence: synonymous variant.
Genome position (GRCh38, 1-based): chr12:7,374,497, G>C on the plus strand (C>G on the coding strand, the complement: CD163L1 is on the minus strand). VCF-style: chr12-7374497-G-C. GRCh37 (hg19) VCF-style: chr12-7527093-G-C.
Other names: c.3384C>G, p.Arg1128= (NM_001297650.2).
Identifiers: ClinVar variation 2642672 (VCV002642672.24), dbSNP rs750899069, ClinGen allele CA478207058.